The following is an entry in ClinVar:

ClinVar aggregate classification (germline): Benign (1 of 4 stars; one submission).

Allele frequency attached by ClinVar (database versions not stated): gnomAD exomes 0.20835; gnomAD 0.32759; ESP Exome Variant Server 0.32992; ExAC 0.34509; TOPMed 0.35922; 1000 Genomes Project 0.46040; 1000 Genomes Project 30x 0.47014.
gnomAD v4.1: 257,344 of 1,166,120 alleles (22%); highest among the groups gnomAD compares: African/African-American, 65%; 26,792 homozygotes.

Submission:

Unidad de Genómica Garrahan, Hospital de Pediatría Garrahan
Classification: Benign. Last evaluated: 2024-01-24. Review status: criteria provided, single submitter. Criteria: ACMG Guidelines, 2015. Collection method: clinical testing. Allele origin: germline. Affected: no. Observed: 32 variant alleles.
Comment: This variant is classified as Benign based on local population frequency. This variant was detected in 34% of patients studied by a panel of primary immunodeficiencies. Number of patients: 32. Only high quality variants are reported.

NM_000061.3(BTK):c.1350-29A>G

Gene: BTK (Bruton tyrosine kinase; minus strand). Cytogenetic location: Xq22.1.
Variant type: single nucleotide variant.
Coding change: c.1350-29A>G on transcript NM_000061.3 (MANE Select); 29 bases into the intron before coding-DNA position 1350, A replaced by G.
Molecular consequence: intron variant.
Genome position (GRCh38, 1-based): chrX:101,356,297, T>C on the plus strand (A>G on the coding strand, the complement: BTK is on the minus strand). VCF-style: chrX-101356297-T-C. GRCh37 (hg19) VCF-style: chrX-100611285-T-C.
Other names: c.1452-29A>G (NM_001287344.2); c.1039-1603A>G (NM_001287345.2).
Identifiers: ClinVar variation 2688216 (VCV002688216.2), dbSNP rs3747288, ClinGen allele CA10473021.